The following is an entry in ClinVar:

NM_022167.4(XYLT2):c.2463C>T (p.Ser821=)

Gene: XYLT2 (xylosyltransferase 2; plus strand). Cytogenetic location: 17q21.33.
Variant type: single nucleotide variant.
Coding change: c.2463C>T on transcript NM_022167.4 (MANE Select); coding-DNA position 2463, C replaced by T.
Protein change: p.Ser821=; no amino-acid change (serine 821 retained).
Molecular consequence: synonymous variant.
Genome position (GRCh38, 1-based): chr17:50,360,156, C>T. VCF-style: chr17-50360156-C-T. GRCh37 (hg19) VCF-style: chr17-48437517-C-T.
Identifiers: ClinVar variation 721881 (VCV000721881.15), dbSNP rs147148985, ClinGen allele CA8646742.

ClinVar aggregate classification (germline): Conflicting classifications of pathogenicity. Review status: criteria provided, conflicting classifications (1 of 4 stars). 4 submissions from 4 submitters: Uncertain significance (1); Benign (1); Likely benign (1). 1 of the submissions does not count toward it. Last evaluated 2025-12-25.

Conditions:
XYLT2-related disorder. Also called: XYLT2-related condition.
Osteogenesis imperfecta (OI). Identifiers: Orphanet 666, MedGen C0029434, MeSH D010013, MONDO:0019019.

Allele frequency attached by ClinVar (database versions not stated): gnomAD exomes 0.00023 and 0.00051; ExAC 0.00051; ESP Exome Variant Server 0.00131; 1000 Genomes Project 30x 0.00156; 1000 Genomes Project 0.00160; gnomAD 0.00206 and 0.00224; TOPMed 0.00219.
gnomAD v4.1: 689 of 1,614,048 alleles (0.043%); highest among the groups gnomAD compares: African/African-American, 0.74%; 9 homozygotes.

Submissions (4):

Labcorp Genetics (formerly Invitae), Labcorp
Classification: Benign. Last evaluated: 2025-12-25. Review status: criteria provided, single submitter. Criteria: Invitae Variant Classification Sherloc (09022015). Collection method: clinical testing. Allele origin: germline.

Blueprint Genetics
Classification: Likely benign. Last evaluated: 2024-04-15. Review status: criteria provided, single submitter. Criteria: ACMG Guidelines, 2015. Collection method: clinical testing. Allele origin: germline.

Genome Diagnostics Laboratory, The Hospital for Sick Children
Classification: Uncertain significance for Osteogenesis imperfecta. Last evaluated: 2020-02-01. Review status: criteria provided, single submitter. Criteria: ACMG Guidelines, 2015. Collection method: clinical testing. Allele origin: germline.

PreventionGenetics, part of Exact Sciences
Classification: Likely benign for XYLT2-related condition. Last evaluated: 2019-12-10. Review status: no assertion criteria provided. Collection method: clinical testing. Allele origin: germline. Not counted in ClinVar's aggregate classification.
Comment: This variant is classified as likely benign based on ACMG/AMP sequence variant interpretation guidelines (Richards et al. 2015 PMID: 25741868, with internal and published modifications).